The following is an entry in ClinVar:

NM_004380.3(CREBBP):c.2331T>A (p.Gly777=)

Gene: CREBBP (CREB binding lysine acetyltransferase; minus strand). Cytogenetic location: 16p13.3.
Variant type: single nucleotide variant.
Coding change: c.2331T>A on transcript NM_004380.3 (MANE Select); coding-DNA position 2331, T replaced by A.
Protein change: p.Gly777=; no amino-acid change (glycine 777 retained).
Molecular consequence: synonymous variant.
Genome position (GRCh38, 1-based): chr16:3,773,883, A>T on the plus strand (T>A on the coding strand, the complement: CREBBP is on the minus strand). VCF-style: chr16-3773883-A-T. GRCh37 (hg19) VCF-style: chr16-3823884-A-T.
Other names: c.2217T>A, p.Gly739= (NM_001079846.1).
Identifiers: ClinVar variation 3351718 (VCV003351718.2).
Genomic context (GRCh38, chr16:3,773,883, plus strand): 5'-GTTCTGTGGCAGAAACTGGCTCTGAGCGGGCGCCTGGGCCATCATGTTGTTGGTGTGTGC[A>T]CCCATCATGTTCGGAGGCTGAGGCATTCGGGAAGGAGAAATGGCCATCTACGAGACAACA-3'
Protein context (NP_004371.2, residues 767-787): SRMPQPPNMM[Gly777=]AHTNNMMAQA

ClinVar aggregate classification (germline): Likely benign. Review status: criteria provided, single submitter (1 of 4 stars). 2 submissions from 2 submitters: Likely benign (1). 1 of the submissions does not count toward it. Last evaluated 2024-04-24.

Conditions:
CREBBP-related disorder. Also called: CREBBP-related condition; CREBBP-related disorders.

gnomAD v4.1: 19 of 1,612,230 alleles (0.0012%); highest among the groups gnomAD compares: Non-Finnish European, 0.0015%; no homozygotes.

Submissions (2):

Blueprint Genetics
Classification: Likely benign. Last evaluated: 2024-04-24. Review status: criteria provided, single submitter. Criteria: ACMG Guidelines, 2015. Collection method: clinical testing. Allele origin: germline.

PreventionGenetics, part of Exact Sciences
Classification: Likely benign for CREBBP-related condition. Last evaluated: 2021-09-24. Review status: no assertion criteria provided. Collection method: clinical testing. Allele origin: germline. Not counted in ClinVar's aggregate classification.
Comment: This variant is classified as likely benign based on ACMG/AMP sequence variant interpretation guidelines (Richards et al. 2015 PMID: 25741868, with internal and published modifications).